The following is an entry in ClinVar:

NM_001039141.3(TRIOBP):c.6324+273C>T

Gene: TRIOBP (TRIO and F-actin binding protein; plus strand). Cytogenetic location: 22q13.1.
Variant type: single nucleotide variant.
Coding change: c.6324+273C>T on transcript NM_001039141.3 (MANE Select); 273 bases into the intron after coding-DNA position 6324, C replaced by T.
Molecular consequence: intron variant. On other transcripts: 3 prime UTR variant (1).
Genome position (GRCh38, 1-based): chr22:37,759,537, C>T. VCF-style: chr22-37759537-C-T. GRCh37 (hg19) VCF-style: chr22-38155544-C-T.
Other names: c.*10C>T (NM_138632.2); c.1185+273C>T (NM_007032.5).
Identifiers: ClinVar variation 4980634 (VCV004980634.1).

ClinVar aggregate classification (germline): Likely benign (1 of 4 stars; one submission).

Conditions:
TRIOBP-related disorder. Also called: TRIOBP-related condition.

gnomAD v4.1: 109 of 1,602,544 alleles (0.0068%); highest among the groups gnomAD compares: Admixed American, 0.072%; no homozygotes.

Submission:

PreventionGenetics, part of Exact Sciences
Classification: Likely benign for TRIOBP-related condition. Last evaluated: 2025-04-27. Review status: criteria provided, single submitter. Criteria: ACMG Guidelines, 2015. Collection method: clinical testing. Allele origin: germline.
Comment: This variant is classified as likely benign based on ACMG/AMP sequence variant interpretation guidelines (Richards et al. 2015 PMID: 25741868, with internal and published modifications).